The following is an entry in ClinVar:

ClinVar aggregate classification (germline): Uncertain significance (1 of 4 stars; one submission).

Submission:

Labcorp Genetics (formerly Invitae), Labcorp
Classification: Uncertain significance. Last evaluated: 2021-01-06. Review status: criteria provided, single submitter. Criteria: Invitae Variant Classification Sherloc (09022015). Collection method: clinical testing. Allele origin: germline.
Comment: In summary, the available evidence is currently insufficient to determine the role of this variant in disease. Therefore, it has been classified as a Variant of Uncertain Significance. Algorithms developed to predict the effect of missense changes on protein structure and function (SIFT, PolyPhen-2, Align-GVGD) all suggest that this variant is likely to be tolerated, but these predictions have not been confirmed by published functional studies and their clinical significance is uncertain. This variant has not been reported in the literature in individuals with ADGRA3-related conditions. This variant is not present in population databases (ExAC no frequency). This sequence change replaces glycine with aspartic acid at codon 53 of the ADGRA3 protein (p.Gly53Asp). The glycine residue is weakly conserved and there is a moderate physicochemical difference between glycine and aspartic acid.

NM_145290.4(ADGRA3):c.158G>A (p.Gly53Asp)

Gene: ADGRA3 (adhesion G protein-coupled receptor A3; minus strand). Cytogenetic location: 4p15.2.
Variant type: single nucleotide variant.
Coding change: c.158G>A on transcript NM_145290.4 (MANE Select); coding-DNA position 158, G replaced by A.
Protein change: p.Gly53Asp; replaces glycine 53 with aspartic acid.
Molecular consequence: missense variant.
Genome position (GRCh38, 1-based): chr4:22,515,627, C>T on the plus strand (G>A on the coding strand, the complement: ADGRA3 is on the minus strand). VCF-style: chr4-22515627-C-T. GRCh37 (hg19) VCF-style: chr4-22517250-C-T.
Other names: short protein forms G53D.
Identifiers: ClinVar variation 1362990 (VCV001362990.8), dbSNP rs2109197320, ClinGen allele CA356507745.
Genomic context (GRCh38, chr4:22,515,627, plus strand): 5'-ACCTGCGCGAGTTCCAGGCTGCTGCACACCACCTTGCCCTCGGCGGCGCCCGCCGCCCTG[C>T]CAGCCCCTCGGGGCCGCCCATCGTGCTTGCAGCCGGCGGGCAGCGCCGCGGCGCCGCCGC-3'
Protein context (NP_660333.2, residues 43-63): CKHDGRPRGA[Gly53Asp]RAAGAAEGKV